The following is an entry in ClinVar:

NM_006514.4(SCN10A):c.5588G>C (p.Arg1863Pro)

Gene: SCN10A (sodium voltage-gated channel alpha subunit 10; minus strand). Cytogenetic location: 3p22.2.
Variant type: single nucleotide variant.
Coding change: c.5588G>C on transcript NM_006514.4 (MANE Select); coding-DNA position 5588, G replaced by C.
Protein change: p.Arg1863Pro; replaces arginine 1863 with proline.
Molecular consequence: missense variant.
Genome position (GRCh38, 1-based): chr3:38,697,632, C>G on the plus strand (G>C on the coding strand, the complement: SCN10A is on the minus strand). VCF-style: chr3-38697632-C-G. GRCh37 (hg19) VCF-style: chr3-38739123-C-G.
Other names: c.5585G>C, p.Arg1862Pro (NM_001293306.2); c.5294G>C, p.Arg1765Pro (NM_001293307.2); short protein forms R1765P, R1863P, R1862P.
Identifiers: ClinVar variation 4743361 (VCV004743361.1).

ClinVar aggregate classification (germline): Uncertain significance (1 of 4 stars; one submission).

Conditions:
Brugada syndrome. Also called: Sudden unexpected nocturnal death syndrome; Sudden Unexplained Death Syndrome; Sudden Unexplained Nocturnal Death Syndrome (SUNDS); Sudden unexplained nocturnal death syndrome. Identifiers: Orphanet 130, MedGen C1142166, MONDO:0015263.

gnomAD v4.1: 4 of 1,614,160 alleles (0.00025%); highest among the groups gnomAD compares: South Asian, 0.0033%; 1 homozygote.

Submission:

Labcorp Genetics (formerly Invitae), Labcorp
Classification: Uncertain significance for Brugada syndrome. Last evaluated: 2025-09-01. Review status: criteria provided, single submitter. Criteria: Invitae Variant Classification Sherloc (09022015). Collection method: clinical testing. Allele origin: germline.
Comment: This sequence change replaces arginine, which is basic and polar, with proline, which is neutral and non-polar, at codon 1863 of the SCN10A protein (p.Arg1863Pro). This variant is present in population databases (rs191869263, gnomAD 0.003%). This variant has not been reported in the literature in individuals affected with SCN10A-related conditions. Invitae Evidence Modeling of protein sequence and biophysical properties (such as structural, functional, and spatial information, amino acid conservation, physicochemical variation, residue mobility, and thermodynamic stability) indicates that this missense variant is expected to disrupt SCN10A protein function with a positive predictive value of 80%. In summary, the available evidence is currently insufficient to determine the role of this variant in disease. Therefore, it has been classified as a Variant of Uncertain Significance.